The following is an entry in ClinVar:

ClinVar aggregate classification (germline): Uncertain significance. Review status: criteria provided, multiple submitters, no conflicts (2 of 4 stars). 2 submissions from 2 submitters: Uncertain significance (2). Last evaluated 2024-05-20.

Conditions:
Spondylometaphyseal dysplasia - Sutcliffe type. Also called: Sutcliffe type of spondylometaphyseal dysplasia; Sutcliffe SMD; Spondylometaphyseal Dysplasia, Corner Fracture Type; Spondylometaphyseal dysplasia, 'corner fracture' type. Identifiers: Orphanet 93315, MedGen C0432221, MONDO:0008479, OMIM 184255.
Glomerulopathy with fibronectin deposits 2 (GFND2). Identifiers: Orphanet 84090, MedGen C1866075, MONDO:0011165, OMIM 601894.

Allele frequency attached by ClinVar (database versions not stated): ExAC 0.00001; gnomAD 0.00003; TOPMed 0.00005; 1000 Genomes Project 30x 0.00016; 1000 Genomes Project 0.00020.
gnomAD v4.1: 65 of 1,614,200 alleles (0.004%); highest among the groups gnomAD compares: East Asian, 0.0089%; no homozygotes.

Submissions (2):

Fulgent Genetics
Classification: Uncertain significance for Spondylometaphyseal dysplasia - Sutcliffe type; Glomerulopathy with fibronectin deposits 2. Last evaluated: 2024-05-20. Review status: criteria provided, single submitter. Criteria: ACMG Guidelines, 2015. Collection method: clinical testing. Allele origin: germline.

Labcorp Genetics (formerly Invitae), Labcorp
Classification: Uncertain significance. Last evaluated: 2022-08-24. Review status: criteria provided, single submitter. Criteria: Invitae Variant Classification Sherloc (09022015). Collection method: clinical testing. Allele origin: germline.
Comment: In summary, the available evidence is currently insufficient to determine the role of this variant in disease. Therefore, it has been classified as a Variant of Uncertain Significance. Algorithms developed to predict the effect of missense changes on protein structure and function are either unavailable or do not agree on the potential impact of this missense change (SIFT: "Not Available"; PolyPhen-2: "Benign"; Align-GVGD: "Not Available"). This variant has not been reported in the literature in individuals affected with FN1-related conditions. This variant is present in population databases (rs199867755, gnomAD 0.006%). This sequence change replaces proline, which is neutral and non-polar, with leucine, which is neutral and non-polar, at codon 2153 of the FN1 protein (p.Pro2153Leu).

NM_212482.4(FN1):c.6458C>T (p.Pro2153Leu)

Gene: FN1 (fibronectin 1; minus strand). Cytogenetic location: 2q35.
Variant type: single nucleotide variant.
Coding change: c.6458C>T on transcript NM_212482.4 (MANE Select); coding-DNA position 6458, C replaced by T.
Protein change: p.Pro2153Leu; replaces proline 2153 with leucine.
Molecular consequence: missense variant. On other transcripts: intron variant (3).
Genome position (GRCh38, 1-based): chr2:215,372,165, G>A on the plus strand (C>T on the coding strand, the complement: FN1 is on the minus strand). VCF-style: chr2-215372165-G-A. GRCh37 (hg19) VCF-style: chr2-216236888-G-A.
Other names: c.6458C>T, p.Pro2153Leu (NM_001306129.2); c.5915C>T, p.Pro1972Leu (NM_001306131.2, NM_212476.3); c.5840C>T, p.Pro1947Leu (NM_001306132.2, NM_001365523.2); c.6188C>T, p.Pro2063Leu (NM_001365517.2, NM_001365521.2); c.6185C>T, p.Pro2062Leu (NM_001365518.2, NM_002026.4); c.6113C>T, p.Pro2038Leu (NM_001365519.2, NM_001365522.2); c.6110C>T, p.Pro2037Leu (NM_001365520.2, NM_212478.3); c.5705-150C>T (NM_212474.3); and 2 more; short protein forms P1947L, P1972L, P2037L, P2038L, P2062L, P2063L, P2153L.
Identifiers: ClinVar variation 2419209 (VCV002419209.6), dbSNP rs199867755, ClinGen allele CA2093849.